The following is an entry in ClinVar:

NM_182961.4(SYNE1):c.12350C>T (p.Thr4117Met)

Gene: SYNE1 (spectrin repeat containing nuclear envelope protein 1; minus strand). Cytogenetic location: 6q25.2.
Variant type: single nucleotide variant.
Coding change: c.12350C>T on transcript NM_182961.4 (MANE Select); coding-DNA position 12350, C replaced by T.
Protein change: p.Thr4117Met; replaces threonine 4117 with methionine.
Molecular consequence: missense variant.
Genome position (GRCh38, 1-based): chr6:152,339,242, G>A on the plus strand (C>T on the coding strand, the complement: SYNE1 is on the minus strand). VCF-style: chr6-152339242-G-A. GRCh37 (hg19) VCF-style: chr6-152660377-G-A.
Other names: c.12137C>T, p.Thr4046Met (NM_033071.5); short protein forms T4117M, T4046M.
Identifiers: ClinVar variation 286916 (VCV000286916.63), dbSNP rs146567178, ClinGen allele CA4056437.

ClinVar aggregate classification (germline): Benign/Likely benign. Review status: criteria provided, multiple submitters, no conflicts (2 of 4 stars). 9 submissions from 9 submitters: Benign (1); Likely benign (5). 3 of the submissions do not count toward it. Last evaluated 2026-09-01.

Conditions:
Emery-Dreifuss muscular dystrophy 4, autosomal dominant (EDMD4). Also called: EMERY-DREIFUSS MUSCULAR DYSTROPHY 4 WITH VARIABLE FEATURES. Identifiers: Orphanet 261, MedGen C2751807, MONDO:0013071, OMIM 612998.
Autosomal recessive ataxia, Beauce type. Also called: SYNE1-Related Autosomal Recessive Cerebellar Ataxia; SYNE1 Deficiency; ATAXIA, RECESSIVE, OF BEAUCE; Spinocerebellar ataxia, autosomal recessive 8. Identifiers: Orphanet 88644, MedGen C1853116, MONDO:0012549, OMIM 610743.
SYNE1-related disorder. Also called: SYNE1-related disorders; SYNE1-related disease; SYNE1-related condition.

Allele frequency attached by ClinVar (database versions not stated): 1000 Genomes Project 0.00020; TOPMed 0.00034; ESP Exome Variant Server 0.00038; gnomAD exomes 0.00073 and 0.00103; ExAC 0.00084; gnomAD 0.00097 and 0.00105.
gnomAD v4.1: 1,209 of 1,613,262 alleles (0.075%); highest among the groups gnomAD compares: Non-Finnish European, 0.058%; 2 homozygotes.

Submissions (9):

CeGaT Center for Human Genetics Tuebingen
Classification: Likely benign. Last evaluated: 2026-09-01. Review status: criteria provided, single submitter. Criteria: CeGaT Center For Human Genetics Tuebingen Variant Classification Criteria Version 2. Collection method: clinical testing. Allele origin: germline. Affected: yes. Observed: 4 variant alleles.
Comment: SYNE1: BP4

Labcorp Genetics (formerly Invitae), Labcorp
Classification: Likely benign for Emery-Dreifuss muscular dystrophy 4, autosomal dominant; Autosomal recessive ataxia, Beauce type. Last evaluated: 2025-12-23. Review status: criteria provided, single submitter. Criteria: Invitae Variant Classification Sherloc (09022015). Collection method: clinical testing. Allele origin: germline.

Blueprint Genetics
Classification: Likely benign. Last evaluated: 2024-11-07. Review status: criteria provided, single submitter. Criteria: ACMG Guidelines, 2015. Collection method: clinical testing. Allele origin: germline.

GeneDx
Classification: Likely benign. Last evaluated: 2021-01-19. Review status: criteria provided, single submitter. Criteria: GeneDx Variant Classification Process June 2021. Collection method: clinical testing. Allele origin: germline. Affected: yes.

Athena Diagnostics
Classification: Benign. Last evaluated: 2017-12-20. Review status: criteria provided, single submitter. Criteria: Athena Diagnostics Criteria. Collection method: clinical testing. Allele origin: germline.

Eurofins Ntd Llc (ga)
Classification: Likely benign. Last evaluated: 2016-03-18. Review status: criteria provided, single submitter. Criteria: EGL Classification Definitions 2015. Collection method: clinical testing. Allele origin: germline. Observed: 1 variant allele, 1 heterozygote.

PreventionGenetics, part of Exact Sciences
Classification: Likely benign for SYNE1-related condition. Last evaluated: 2022-12-12. Review status: no assertion criteria provided. Collection method: clinical testing. Allele origin: germline. Not counted in ClinVar's aggregate classification.
Comment: This variant is classified as likely benign based on ACMG/AMP sequence variant interpretation guidelines (Richards et al. 2015 PMID: 25741868, with internal and published modifications).

Genome Diagnostics Laboratory, University Medical Center Utrecht
Classification: Likely benign. Review status: no assertion criteria provided. Collection method: clinical testing. Allele origin: germline. Affected: yes. Study: VKGL Data-share Consensus. Not counted in ClinVar's aggregate classification.

Joint Genome Diagnostic Labs from Nijmegen and Maastricht, Radboudumc and MUMC+
Classification: Benign. Review status: no assertion criteria provided. Collection method: clinical testing. Allele origin: germline. Affected: yes. Study: VKGL Data-share Consensus. Not counted in ClinVar's aggregate classification.